The following is an entry in ClinVar:

NM_020117.11(LARS1):c.1284G>A (p.Pro428=)

Gene: LARS1 (leucyl-tRNA synthetase 1; minus strand). Cytogenetic location: 5q32.
Variant type: single nucleotide variant.
Coding change: c.1284G>A on transcript NM_020117.11 (MANE Select); coding-DNA position 1284, G replaced by A.
Protein change: p.Pro428=; no amino-acid change (proline 428 retained).
Molecular consequence: synonymous variant.
Genome position (GRCh38, 1-based): chr5:146,153,174, C>T on the plus strand (G>A on the coding strand, the complement: LARS1 is on the minus strand). VCF-style: chr5-146153174-C-T. GRCh37 (hg19) VCF-style: chr5-145532737-C-T.
Other names: c.1146G>A, p.Pro382= (NM_001317964.2); c.1122G>A, p.Pro374= (NM_001317965.2); c.1203G>A, p.Pro401= (NM_016460.4); c.1284G>A (NM_020117.10).
Identifiers: ClinVar variation 388896 (VCV000388896.5), dbSNP rs778961690, ClinGen allele CA3489674.

ClinVar aggregate classification (germline): Conflicting classifications of pathogenicity. Review status: criteria provided, conflicting classifications (1 of 4 stars). 4 submissions from 4 submitters: Likely pathogenic (2); Uncertain significance (1); Likely benign (1). Last evaluated 2025-05-14.

Conditions:
Infantile liver failure syndrome 1 (ILFS1). Identifiers: Orphanet 370088, MedGen C3809522, MONDO:0024568, OMIM 615438.

Allele frequency attached by ClinVar (database versions not stated): gnomAD 0.00001; ExAC 0.00002; TOPMed 0.00002; gnomAD exomes 0.00003.
gnomAD v4.1: 25 of 1,609,516 alleles (0.0016%); highest among the groups gnomAD compares: Admixed American, 0.005%; no homozygotes.

Submissions (4):

Women's Health and Genetics/Laboratory Corporation of America, LabCorp
Classification: Uncertain significance. Last evaluated: 2025-05-14. Review status: criteria provided, single submitter. Criteria: LabCorp Variant Classification Summary - May 2015. Collection method: clinical testing. Allele origin: germline.
Comment: Variant summary: LARS1 c.1284G>A (p.Pro428Pro) alters a conserved nucleotide located close to a canonical splice site and therefore could affect mRNA splicing, leading to a significantly altered protein sequence. Several computational tools predict a significant impact on normal splicing: One predict the variant abolishes a 5' splicing donor site. Two predict the variant weakens a 5' donor site. One predict the variant no significant impact on splicing. However, these predictions have yet to be confirmed by functional studies. The variant allele was found at a frequency of 1.6e-05 in 1609516 control chromosomes. This frequency is not significantly higher than estimated for a pathogenic variant in LARS1 causing Liver Failure Acute Infantile, Type 1 (1.6e-05 vs 0.0011), allowing no conclusion about variant significance. c.1284G>A has been observed in an individual affected with Liver Failure Acute Infantile, Type 1 (Li_2024). These data do not allow any conclusion about variant significance. To our knowledge, no experimental evidence demonstrating an impact on protein function has been reported. The following publication have been ascertained in the context of this evaluation (PMID: 38844943). ClinVar contains an entry for this variant (Variation ID: 388896). Based on the evidence outlined above, the variant was classified as uncertain significance.

Centre for Inherited Metabolic Diseases, Karolinska University Hospital
Classification: Likely pathogenic for Infantile liver failure syndrome 1. Last evaluated: 2023-10-13. Review status: criteria provided, single submitter. Criteria: ACMG Guidelines, 2015. Collection method: clinical testing. Allele origin: biparental. Inheritance: Autosomal recessive inheritance. Affected: yes. Observed: 2 variant alleles, 2 homozygotes.
Comment: Sanger sequencing of cDNA from mRNA isolated from patient blood and fibroblasts has shown that the variant has an effect on splicing.

Hadassah Hebrew University Medical Center
Classification: Likely pathogenic for Infantile liver failure syndrome 1. Last evaluated: 2023-05-12. Review status: criteria provided, single submitter. Criteria: ACMG Guidelines, 2015. Collection method: clinical testing. Allele origin: germline. Inheritance: Autosomal recessive inheritance. Affected: yes. Observed: 2 variant alleles.
Comment: Homozygous variant was found in two affected siblings. cDNA analysis showed skipping of 52 nucleotides (18 amino acids).

GeneDx
Classification: Likely benign. Last evaluated: 2018-09-11. Review status: criteria provided, single submitter. Criteria: GeneDx Variant Classification Process June 2021. Collection method: clinical testing. Allele origin: germline. Affected: yes.

Literature cited by the submitters: PubMed 38844943 (cited by Women's Health and Genetics/Laboratory Corporation of America, LabCorp).